The following is an entry in ClinVar:

NM_001999.4(FBN2):c.5617A>C (p.Ser1873Arg)

Gene: FBN2 (fibrillin 2; minus strand). Cytogenetic location: 5q23.3.
Variant type: single nucleotide variant.
Coding change: c.5617A>C on transcript NM_001999.4 (MANE Select); coding-DNA position 5617, A replaced by C.
Protein change: p.Ser1873Arg; replaces serine 1873 with arginine.
Molecular consequence: missense variant.
Genome position (GRCh38, 1-based): chr5:128,305,568, T>G on the plus strand (A>C on the coding strand, the complement: FBN2 is on the minus strand). VCF-style: chr5-128305568-T-G. GRCh37 (hg19) VCF-style: chr5-127641260-T-G.
Other names: short protein forms S1873R.
Identifiers: ClinVar variation 411825 (VCV000411825.9), dbSNP rs1060503504, ClinGen allele CA16611709.

ClinVar aggregate classification (germline): Uncertain significance (1 of 4 stars; one submission).

Conditions:
Congenital contractural arachnodactyly (CCA). Also called: BEALS SYNDROME; Arthrogryposis, distal, type 9; Beals-Hecht syndrome. Identifiers: Orphanet 115, MedGen C0220668, MONDO:0007363, OMIM 121050.

Submission:

Labcorp Genetics (formerly Invitae), Labcorp
Classification: Uncertain significance for Congenital contractural arachnodactyly. Last evaluated: 2016-12-08. Review status: criteria provided, single submitter. Criteria: Invitae Variant Classification Sherloc (09022015). Collection method: clinical testing. Allele origin: germline.
Comment: This variant is not present in population databases (ExAC no frequency) and has not been reported in the literature in individuals with a FBN2-related disease. This sequence change replaces serine with arginine at codon 1873 of the FBN2 protein (p.Ser1873Arg). The serine residue is highly conserved and there is a moderate physicochemical difference between serine and arginine. Algorithms developed to predict the effect of missense changes on protein structure and function (SIFT, PolyPhen-2, Align-GVGD) all suggest that this variant is likely to be disruptive, but these predictions have not been confirmed by published functional studies. In summary, this variant is a novel missense change with uncertain impact on protein function. It has been classified as a Variant of Uncertain Significance.